The following is an entry in ClinVar:

NM_001242896.3(DEPDC5):c.985A>T (p.Thr329Ser)

Gene: DEPDC5 (DEP domain containing 5, GATOR1 subcomplex subunit; plus strand). Cytogenetic location: 22q12.3.
Variant type: single nucleotide variant.
Coding change: c.985A>T on transcript NM_001242896.3 (MANE Select); coding-DNA position 985, A replaced by T.
Protein change: p.Thr329Ser; replaces threonine 329 with serine.
Molecular consequence: missense variant. On other transcripts: non-coding transcript variant (5).
Genome position (GRCh38, 1-based): chr22:31,802,742, A>T. VCF-style: chr22-31802742-A-T. GRCh37 (hg19) VCF-style: chr22-32198728-A-T.
Other names: c.985A>T, p.Thr329Ser (NM_001007188.4, NM_001136029.4, NM_001242897.2 and 7 more transcripts); c.901A>T, p.Thr301Ser (NM_001369901.1, NM_001369902.1); short protein forms T301S, T329S.
Identifiers: ClinVar variation 2502753 (VCV002502753.1), dbSNP rs2087013336, ClinGen allele CA411292814.

ClinVar aggregate classification (germline): Uncertain significance (1 of 4 stars; one submission).

Submission:

GeneDx
Classification: Uncertain significance. Last evaluated: 2022-11-18. Review status: criteria provided, single submitter. Criteria: GeneDx Variant Classification Process June 2021. Collection method: clinical testing. Allele origin: germline. Affected: yes.
Comment: Not observed at significant frequency in large population cohorts (gnomAD); In silico analysis supports that this missense variant has a deleterious effect on protein structure/function; Has not been previously published as pathogenic or benign to our knowledge